The following is an entry in ClinVar:

ClinVar aggregate classification (germline): Likely benign. Review status: criteria provided, multiple submitters, no conflicts (2 of 4 stars). 2 submissions from 2 submitters: Likely benign (2). Last evaluated 2024-12-16.

gnomAD v4.1: 21 of 1,551,656 alleles (0.0014%); highest among the groups gnomAD compares: Non-Finnish European, 0.0017%; no homozygotes.

Submissions (2):

Labcorp Genetics (formerly Invitae), Labcorp
Classification: Likely benign. Last evaluated: 2024-12-16. Review status: criteria provided, single submitter. Criteria: Invitae Variant Classification Sherloc (09022015). Collection method: clinical testing. Allele origin: germline.

CeGaT Center for Human Genetics Tuebingen
Classification: Likely benign. Last evaluated: 2023-01-01. Review status: criteria provided, single submitter. Criteria: CeGaT Center For Human Genetics Tuebingen Variant Classification Criteria Version 2. Collection method: clinical testing. Allele origin: germline. Affected: yes. Observed: 1 variant allele.
Comment: LOXHD1: PM2:Supporting, BP4, BP7

NM_001384474.1(LOXHD1):c.5584C>A (p.Arg1862=)

Gene: LOXHD1 (lipoxygenase homology PLAT domains 1; minus strand). Cytogenetic location: 18q21.1.
Variant type: single nucleotide variant.
Coding change: c.5584C>A on transcript NM_001384474.1 (MANE Select); coding-DNA position 5584, C replaced by A.
Protein change: p.Arg1862=; no amino-acid change (arginine 1862 retained).
Molecular consequence: synonymous variant.
Genome position (GRCh38, 1-based): chr18:46,507,646, G>T on the plus strand (C>A on the coding strand, the complement: LOXHD1 is on the minus strand). VCF-style: chr18-46507646-G-T. GRCh37 (hg19) VCF-style: chr18-44087609-G-T.
Other names: c.2251C>A, p.Arg751= (NM_001145472.3); c.301C>A, p.Arg101= (NM_001145473.3, NM_001173129.2); c.1963C>A, p.Arg655= (NM_001308013.2); c.5398C>A, p.Arg1800= (NM_144612.7).
Identifiers: ClinVar variation 1642435 (VCV001642435.31), dbSNP rs201994383, ClinGen allele CA503808854.